The following is an entry in ClinVar:

ClinVar aggregate classification (germline): Likely pathogenic (1 of 4 stars; one submission).

Conditions:
Nemaline myopathy 2 (NEM2). Also called: Nemaline myopathy 2, autosomal recessive. Identifiers: MedGen C1850569, MONDO:0009725, OMIM 256030.

Submission:

Myriad Genetics, Inc.
Classification: Likely pathogenic for Nemaline myopathy 2. Last evaluated: 2022-02-04. Review status: criteria provided, single submitter. Criteria: Myriad Women's Health Autosomal Recessive and X-Linked Classification Criteria (2021). Collection method: clinical testing. Allele origin: unknown.
Comment: NM_001271208.1(NEB):c.23267_23270del4ins11(K7756Tfs*13) is expected to be pathogenic in the context of NEB-related nemaline myopathy. This variant is predicted to lead to an abnormal or absent protein product due to the creation of a premature termination codon in NEB, a gene where loss-of-function variants are known to be pathogenic. Please note: this variant was assessed in the context of healthy population screening.

NM_001164508.2(NEB):c.23162_23165delinsCAGATGTGTAT (p.Lys7721fs)

Genes: NEB (nebulin; minus strand), RIF1 (replication timing regulatory factor 1; plus strand). Cytogenetic location: 2q23.3.
Variant type: Indel.
Coding change: c.23162_23165delinsCAGATGTGTAT on transcript NM_001164508.2 (MANE Select); coding-DNA positions 23162 to 23165, AAGG replaced by CAGATGTGTAT.
Protein change: p.Lys7721fs; shifts the reading frame from lysine 7721.
Molecular consequence: frameshift variant.
Genome position (GRCh38, 1-based): chr2:151,513,656-151,513,659, CCTT replaced by ATACACATCTG on the plus strand (AAGG replaced by CAGATGTGTAT on the coding strand, the reverse complement: NEB is on the minus strand). VCF-style: chr2-151513656-CCTT-ATACACATCTG. GRCh37 (hg19) VCF-style: chr2-152370170-CCTT-ATACACATCTG.
Other names: c.23162_23165delinsCAGATGTGTAT, p.Lys7721fs (NM_001164507.2); c.23267_23270delinsCAGATGTGTAT, p.Lys7756fs (NM_001271208.2); c.18059_18062delinsCAGATGTGTAT, p.Lys6020fs (NM_004543.5); short protein forms K6020fs, K7721fs, K7756fs.
Identifiers: ClinVar variation 1724288 (VCV001724288.2), dbSNP rs2552076647, ClinGen allele CA2580063933.